The following is an entry in ClinVar:

NM_000414.4(HSD17B4):c.1528G>T (p.Asp510Tyr)

Gene: HSD17B4 (hydroxysteroid 17-beta dehydrogenase 4; plus strand). Cytogenetic location: 5q23.1.
Variant type: single nucleotide variant.
Coding change: c.1528G>T on transcript NM_000414.4 (MANE Select); coding-DNA position 1528, G replaced by T.
Protein change: p.Asp510Tyr; replaces aspartic acid 510 with tyrosine.
Molecular consequence: missense variant. On other transcripts: non-coding transcript variant (2).
Genome position (GRCh38, 1-based): chr5:119,525,240, G>T. VCF-style: chr5-119525240-G-T. GRCh37 (hg19) VCF-style: chr5-118860935-G-T.
Other names: c.1603G>T, p.Asp535Tyr (NM_001199291.3); c.1474G>T, p.Asp492Tyr (NM_001199292.2); c.1456G>T, p.Asp486Tyr (NM_001292027.2, NM_001374498.1); c.1108G>T, p.Asp370Tyr (NM_001292028.2); c.1519G>T, p.Asp507Tyr (NM_001374497.1); c.1201G>T, p.Asp401Tyr (NM_001374499.1); c.1087G>T, p.Asp363Tyr (NM_001374500.1); c.1117G>T, p.Asp373Tyr (NM_001374501.1, NM_001374502.1, NM_001374503.1); short protein forms D370Y, D363Y, D507Y, D510Y, D486Y, D535Y, D373Y, D401Y.
Identifiers: ClinVar variation 5004933 (VCV005004933.1).
Genomic context (GRCh38, chr5:119,525,240, plus strand): 5'-CACTGAGTTCTAGTTATGTTTATGCTTTCTCCACAGGCTGCTTTGTACCGCCTCAGTGGA[G>T]ACTGGAATCCCTTACACATTGATCCTAACTTTGCTAGTCTAGCAGGTGAGTTGTCTTTAA-3'
Protein context (NP_000405.1, residues 500-520): NQAALYRLSG[Asp510Tyr]WNPLHIDPNF

ClinVar aggregate classification (germline): Uncertain significance (1 of 4 stars; one submission).

Conditions:
Bifunctional peroxisomal enzyme deficiency (DBIF). Also called: DBP DEFICIENCY; D-bifunctional protein deficiency; PBFE DEFICIENCY. Identifiers: Orphanet 300, MedGen C0342870, MONDO:0009855, OMIM 261515. Disease mechanism: loss of function.

Submission:

Myriad Genetics, Inc.
Classification: Uncertain significance for Bifunctional peroxisomal enzyme deficiency. Last evaluated: 2026-04-17. Review status: criteria provided, single submitter. Criteria: Myriad Autosomal Dominant, Autosomal Recessive and X-Linked Classification Criteria (2023). Collection method: clinical testing. Allele origin: unknown.
Comment: NM_000414.3(HSD17B4):c.1528G>T(D510Y) is a missense variant classified as a variant of uncertain significance in the context of HSD17B4-related disorders. D510Y has been observed in a case with relevant disease (PMID: 16385454). Relevant functional assessments of this variant are available in the literature (PMID: 22864515). D510Y has not been observed in referenced population frequency databases. In summary, there is insufficient evidence to classify NM_000414.3(HSD17B4):c.1528G>T(D510Y) as pathogenic or benign. Please note: this variant was assessed in the context of healthy population screening.

Literature cited by the submitters: PubMed 16385454; PubMed 22864515.